The following is an entry in ClinVar:

ClinVar aggregate classification (germline): Uncertain significance. Review status: criteria provided, multiple submitters, no conflicts (2 of 4 stars). 4 submissions from 4 submitters: Uncertain significance (4). Last evaluated 2025-03-07.

Conditions:
Hajdu-Cheney syndrome (HJCYS). Also called: Acroosteolysis dominant type; ACROOSTEOLYSIS WITH OSTEOPOROSIS AND CHANGES IN SKULL AND MANDIBLE; SERPENTINE FIBULA-POLYCYSTIC KIDNEY SYNDROME. Identifiers: Orphanet 955, MedGen C0917715, MONDO:0007057, OMIM 102500.
Alagille syndrome due to a NOTCH2 point mutation. Also called: Alagille syndrome 2. Identifiers: Orphanet 261629, Orphanet 52, MedGen C1857761, MONDO:0012439, OMIM 610205.

Allele frequency attached by ClinVar (database versions not stated): gnomAD exomes below 0.00001.
gnomAD v4.1: 1 of 1,613,788 alleles (0.000062%); highest among the groups gnomAD compares: Admixed American, 0.0017%; no homozygotes.

Submissions (4):

Labcorp Genetics (formerly Invitae), Labcorp
Classification: Uncertain significance for Hajdu-Cheney syndrome. Last evaluated: 2025-03-07. Review status: criteria provided, single submitter. Criteria: Invitae Variant Classification Sherloc (09022015). Collection method: clinical testing. Allele origin: germline.
Comment: This sequence change replaces glycine, which is neutral and non-polar, with glutamic acid, which is acidic and polar, at codon 272 of the NOTCH2 protein (p.Gly272Glu). This variant is not present in population databases (gnomAD no frequency). This variant has not been reported in the literature in individuals affected with NOTCH2-related conditions. ClinVar contains an entry for this variant (Variation ID: 595897). Invitae Evidence Modeling of protein sequence and biophysical properties (such as structural, functional, and spatial information, amino acid conservation, physicochemical variation, residue mobility, and thermodynamic stability) indicates that this missense variant is expected to disrupt NOTCH2 protein function with a positive predictive value of 95%. In summary, the available evidence is currently insufficient to determine the role of this variant in disease. Therefore, it has been classified as a Variant of Uncertain Significance.

Fulgent Genetics
Classification: Uncertain significance for Hajdu-Cheney syndrome; Alagille syndrome due to a NOTCH2 point mutation. Last evaluated: 2024-02-22. Review status: criteria provided, single submitter. Criteria: ACMG Guidelines, 2015. Collection method: clinical testing. Allele origin: germline.

GeneDx
Classification: Uncertain significance. Last evaluated: 2023-08-14. Review status: criteria provided, single submitter. Criteria: GeneDx Variant Classification Process June 2021. Collection method: clinical testing. Allele origin: germline. Affected: yes.
Comment: In silico analysis supports that this missense variant has a deleterious effect on protein structure/function; Has not been previously published as pathogenic or benign to our knowledge

Eurofins Ntd Llc (ga)
Classification: Uncertain significance. Last evaluated: 2018-01-29. Review status: criteria provided, single submitter. Criteria: EGL Classification Definitions 2015. Collection method: clinical testing. Allele origin: germline. Observed: 1 variant allele, 1 heterozygote.

NM_024408.4(NOTCH2):c.815G>A (p.Gly272Glu)

Gene: NOTCH2 (notch receptor 2; minus strand). Cytogenetic location: 1p12.
Variant type: single nucleotide variant.
Coding change: c.815G>A on transcript NM_024408.4 (MANE Select); coding-DNA position 815, G replaced by A.
Protein change: p.Gly272Glu; replaces glycine 272 with glutamic acid.
Molecular consequence: missense variant.
Genome position (GRCh38, 1-based): chr1:119,987,019, C>T on the plus strand (G>A on the coding strand, the complement: NOTCH2 is on the minus strand). VCF-style: chr1-119987019-C-T. GRCh37 (hg19) VCF-style: chr1-120529642-C-T.
Other names: c.815G>A, p.Gly272Glu (NM_001200001.2); c.815G>A (NM_024408.3); short protein forms G272E.
Identifiers: ClinVar variation 595897 (VCV000595897.9), dbSNP rs1557834076, ClinGen allele CA341887617.